The following is an entry in ClinVar:

NM_031407.7(HUWE1):c.4045A>G (p.Thr1349Ala)

Gene: HUWE1 (HECT, UBA and WWE domain containing E3 ubiquitin protein ligase 1; minus strand). Cytogenetic location: Xp11.22.
Variant type: single nucleotide variant.
Coding change: c.4045A>G on transcript NM_031407.7 (MANE Select); coding-DNA position 4045, A replaced by G.
Protein change: p.Thr1349Ala; replaces threonine 1349 with alanine.
Molecular consequence: missense variant.
Genome position (GRCh38, 1-based): chrX:53,591,050, T>C on the plus strand (A>G on the coding strand, the complement: HUWE1 is on the minus strand). VCF-style: chrX-53591050-T-C. GRCh37 (hg19) VCF-style: chrX-53618010-T-C.
Other names: short protein forms T1349A.
Identifiers: ClinVar variation 4056773 (VCV004056773.1).

ClinVar aggregate classification (germline): Uncertain significance (1 of 4 stars; one submission).

Conditions:
Intellectual developmental disorder, X-linked, syndromic, Turner type. Also called: X-linked intellectual disability, Turner type; Intellectual disability, X-linked syndromic, Turner type. Identifiers: Orphanet 3056, Orphanet 85328, MedGen C2678046, MONDO:0010407, OMIM 309590.

Submission:

Laboratorio de Genetica e Diagnostico Molecular, Hospital Israelita Albert Einstein
Classification: Uncertain significance for Intellectual developmental disorder, X-linked, syndromic, Turner type. Last evaluated: 2024-04-15. Review status: criteria provided, single submitter. Criteria: ACMG Guidelines, 2015. Collection method: clinical testing. Allele origin: germline. Affected: yes.
Comment: ACMG classification criteria: PM2 supporting, BP4 supporting